The following is an entry in ClinVar:

NM_001127644.2(GABRA1):c.1138G>C (p.Ala380Pro)

Gene: GABRA1 (gamma-aminobutyric acid type A receptor subunit alpha1; plus strand). Cytogenetic location: 5q34.
Variant type: single nucleotide variant.
Coding change: c.1138G>C on transcript NM_001127644.2 (MANE Select); coding-DNA position 1138, G replaced by C.
Protein change: p.Ala380Pro; replaces alanine 380 with proline.
Molecular consequence: missense variant.
Genome position (GRCh38, 1-based): chr5:161,897,189, G>C. VCF-style: chr5-161897189-G-C. GRCh37 (hg19) VCF-style: chr5-161324195-G-C.
Other names: c.1138G>C, p.Ala380Pro (NM_000806.5, NM_001127643.2, NM_001127645.2 and 1 more transcripts); short protein forms A380P.
Identifiers: ClinVar variation 1392210 (VCV001392210.6), dbSNP rs2113469735, ClinGen allele CA362180735.

ClinVar aggregate classification (germline): Uncertain significance (1 of 4 stars; one submission).

Conditions:
Epilepsy, idiopathic generalized, susceptibility to, 13. Also called: EPILEPSY, JUVENILE MYOCLONIC, SUSCEPTIBILITY TO, 5. Identifiers: Orphanet 307, Orphanet 64280, MedGen C4013473, MONDO:0012627, OMIM 611136.
Epilepsy, childhood absence 4 (ECA4). Also called: EPILEPSY, CHILDHOOD ABSENCE, SUSCEPTIBILITY TO, 4. Identifiers: Orphanet 307, MedGen C1970160.
Idiopathic generalized epilepsy. Also called: Generalised epilepsy; EIG. Identifiers: MedGen C0270850, MONDO:0005579, OMIM 600669.

Submission:

Labcorp Genetics (formerly Invitae), Labcorp
Classification: Uncertain significance for Epilepsy, childhood absence 4; Epilepsy, idiopathic generalized, susceptibility to, 13; Idiopathic generalized epilepsy. Last evaluated: 2021-11-09. Review status: criteria provided, single submitter. Criteria: Invitae Variant Classification Sherloc (09022015). Collection method: clinical testing. Allele origin: germline.
Comment: In summary, the available evidence is currently insufficient to determine the role of this variant in disease. Therefore, it has been classified as a Variant of Uncertain Significance. Algorithms developed to predict the effect of missense changes on protein structure and function (SIFT, PolyPhen-2, Align-GVGD) all suggest that this variant is likely to be tolerated. This variant has not been reported in the literature in individuals affected with GABRA1-related conditions. This variant is not present in population databases (gnomAD no frequency). This sequence change replaces alanine, which is neutral and non-polar, with proline, which is neutral and non-polar, at codon 380 of the GABRA1 protein (p.Ala380Pro).